The following is an entry in ClinVar:

ClinVar aggregate classification (germline): Uncertain significance (1 of 4 stars; one submission).

Submission:

GeneDx
Classification: Uncertain significance. Last evaluated: 2022-09-26. Review status: criteria provided, single submitter. Criteria: GeneDx Variant Classification Process June 2021. Collection method: clinical testing. Allele origin: germline. Affected: yes.
Comment: Not observed at significant frequency in large population cohorts (gnomAD); In silico analysis supports that this missense variant does not alter protein structure/function; Has not been previously published as pathogenic or benign to our knowledge

NM_020338.4(ZMIZ1):c.594C>A (p.Asn198Lys)

Gene: ZMIZ1 (zinc finger MIZ-type containing 1; plus strand). Cytogenetic location: 10q22.3.
Variant type: single nucleotide variant.
Coding change: c.594C>A on transcript NM_020338.4 (MANE Select); coding-DNA position 594, C replaced by A.
Protein change: p.Asn198Lys; replaces asparagine 198 with lysine.
Molecular consequence: missense variant.
Genome position (GRCh38, 1-based): chr10:79,291,012, C>A. VCF-style: chr10-79291012-C-A. GRCh37 (hg19) VCF-style: chr10-81050769-C-A.
Other names: short protein forms N198K.
Identifiers: ClinVar variation 2446315 (VCV002446315.1), dbSNP rs2493820560, ClinGen allele CA377332099.